The following is an entry in ClinVar:

ClinVar aggregate classification (germline): Pathogenic (0 of 4 stars; one submission).

Submission:

GenMed Metabolism Lab
Classification: Pathogenic. Review status: no assertion criteria provided. Collection method: not provided. Allele origin: unknown.
Comment: p.Trp265X, Neonatal
ClinVar note: Converted during submission from pathogenic to Pathogenic.

NM_000531.6(OTC):c.795G>A (p.Trp265Ter)

Gene: OTC (ornithine transcarbamylase; plus strand). Cytogenetic location: Xp11.4.
Variant type: single nucleotide variant.
Coding change: c.795G>A on transcript NM_000531.6 (MANE Select); coding-DNA position 795, G replaced by A.
Protein change: p.Trp265Ter; replaces tryptophan 265 with a stop codon.
Molecular consequence: nonsense.
Genome position (GRCh38, 1-based): chrX:38,408,953, G>A. VCF-style: chrX-38408953-G-A. GRCh37 (hg19) VCF-style: chrX-38268206-G-A.
Other names: short protein forms W265*.
Identifiers: ClinVar variation 97331 (VCV000097331.2), dbSNP rs72558447, ClinGen allele CA224796.
Genomic context (GRCh38, chrX:38,408,953, plus strand): 5'-GCTGACAAATGATCCATTGGAAGCAGCGCATGGAGGCAATGTATTAATTACAGACACTTG[G>A]ATAAGCATGGGACAAGAAGAGGAGAAGAAAAAGCGGCTCCAGGCTTTCCAAGGTTACCAG-3'